The following is an entry in ClinVar:

NM_000261.2(MYOC):c.1009del (p.Gln337fs)

Gene: MYOC (myocilin; minus strand). Cytogenetic location: 1q24.3.
Variant type: Deletion.
Coding change: c.1009del on transcript NM_000261.2 (MANE Select); coding-DNA position 1009, one base deleted (C; older notation c.1009delC).
Protein change: p.Gln337fs; shifts the reading frame from glutamine 337.
Molecular consequence: frameshift variant.
Genome position (GRCh38, 1-based): chr1:171,636,431, G deleted on the plus strand (C on the coding strand, the reverse complement: MYOC is on the minus strand); the first of 2 consecutive G bases (chr1:171,636,431-171,636,432); deleting either gives the same sequence. VCF-style (leftmost placement, unchanged base first): chr1-171636430-TG-T. GRCh37 (hg19) VCF-style: chr1-171605570-TG-T.
Other names: NM_000261.2:c.1008del; short protein forms Q337fs.
Identifiers: ClinVar variation 1342199 (VCV001342199.6), dbSNP rs2102944704, ClinGen allele CA1139655085.

ClinVar aggregate classification (germline): Uncertain significance (3 of 4 stars; one submission).

Conditions:
Open-angle glaucoma. Identifiers: MedGen C0017612, MONDO:0005338, HP:0012108.

Submission:

ClinGen Glaucoma Variant Curation Expert Panel
Classification: Uncertain significance for Open-angle glaucoma. Last evaluated: 2026-01-20. Review status: reviewed by expert panel. Criteria: ClinGen Glaucoma ACMG Specifications V2.0.0 Approved. Collection method: curation. Allele origin: germline. Inheritance: Autosomal dominant inheritance.
Comment: The c.1009del variant in MYOC is a deletion of a single nucleotide, predicted to encode a frameshift with consequent premature termination of the protein at codon 9 of the frameshift (p.Gln337ArgfsTer9). This variant is predicted to cause a deletion of ≥10% of the protein within the conserved olfactomedin domain, meeting PM4. PVS1 did not apply, as the disease mechanism for MYOC variants associated with juvenile or primary open angle glaucoma is not loss-of-function. This variant was not found in any genetic ancestry group of gnomAD (v4.1.0), meeting the ≤ 0.0001 threshold set for PM2_Supporting in a genetic ancestry group of at least 10,000 alleles. There was no functional evidence predicting a damaging or benign impact of this variant on MYOC function. 14 segregations in 1 family, with juvenile or primary open angle glaucoma (JOAG or POAG), have been reported (PMID: 18776955), which fulfilled PP1_Moderate (≥5 meioses in ≥1 family, but not the ≥7 meioses in >1 family for the strong criterion). Only 1 proband with JOAG had been reported (PMID: 18776955), not meeting the ≥ 2 probands threshold required to meet PS4_Supporting. In summary, this variant met the criteria to receive a score of 5 and to be classified as a variant of uncertain significance (uncertain significance classification range -1 to 5, adapted from PMID: 32720330) for juvenile open angle glaucoma based on the ACMG/AMP criteria met, as specified by the ClinGen Glaucoma VCEP (v2.0.0, 5 Dec 2024): PM4, PP1_Moderate, PM2_Supporting